The following is an entry in ClinVar:

NM_006390.4(IPO8):c.1069dup (p.Ser357fs)

Gene: IPO8 (importin 8; minus strand). Cytogenetic location: 12p11.21.
Variant type: Duplication.
Coding change: c.1069dup on transcript NM_006390.4 (MANE Select); coding-DNA position 1069, one base duplicated (T; older notation c.1069dupT).
Protein change: p.Ser357fs; shifts the reading frame from serine 357.
Molecular consequence: frameshift variant.
Genome position (GRCh38, 1-based): chr12:30,669,258, A duplicated on the plus strand (T on the coding strand, the reverse complement: IPO8 is on the minus strand); the first of 6 consecutive A bases (chr12:30,669,258-30,669,263); duplicating any one gives the same sequence. VCF-style (leftmost placement, unchanged base first): chr12-30669257-G-GA. GRCh37 (hg19) VCF-style: chr12-30822191-G-GA.
Other names: c.1069dupT (NM_006390.3); c.454dup, p.Ser152fs (NM_001190995.2); short protein forms S152fs, S357fs.
Identifiers: ClinVar variation 2579882 (VCV002579882.4), dbSNP rs1438426784, ClinGen allele CA479132083.

ClinVar aggregate classification (germline): Pathogenic/Likely pathogenic. Review status: criteria provided, multiple submitters, no conflicts (2 of 4 stars). 3 submissions from 3 submitters: Pathogenic (1); Likely pathogenic (2). Last evaluated 2024-09-11.

Conditions:
VISS syndrome. Also called: VASCULAR ANEURYSM, IMMUNE DYSREGULATION, SKELETAL ANOMALIES, AND SKIN AND JOINT LAXITY. Identifiers: MedGen C5561955, MONDO:0859177, OMIM 619472.
IPO8-related disorder. Also called: IPO8-related condition.

Submissions (3):

Revvity Omics, Revvity
Classification: Likely pathogenic for VISS syndrome. Last evaluated: 2024-09-11. Review status: criteria provided, single submitter. Criteria: ACMG Guidelines, 2015. Collection method: clinical testing. Allele origin: germline.

GeneDx
Classification: Pathogenic. Last evaluated: 2024-07-01. Review status: criteria provided, single submitter. Criteria: GeneDx Variant Classification Process June 2021. Collection method: clinical testing. Allele origin: germline.
Comment: Frameshift variant predicted to result in protein truncation or nonsense mediated decay in a gene for which loss of function is a known mechanism of disease; Not observed at significant frequency in large population cohorts (gnomAD); Has not been previously published as pathogenic or benign to our knowledge

PreventionGenetics, part of Exact Sciences
Classification: Likely pathogenic for IPO8-related condition. Last evaluated: 2023-06-11. Review status: criteria provided, single submitter. Criteria: ACMG Guidelines, 2015. Collection method: clinical testing. Allele origin: germline.
Comment: The IPO8 c.1069dupT variant is predicted to result in a frameshift and premature protein termination (p.Ser357Phefs*6). To our knowledge, this variant has not been reported in the literature or in a large population database, indicating this variant is rare. Frameshift variants in IPO8 are expected to be pathogenic. This variant is interpreted as likely pathogenic.